The following is an entry in ClinVar:

ClinVar aggregate classification (germline): Uncertain significance (1 of 4 stars; one submission).

Conditions:
Catecholaminergic polymorphic ventricular tachycardia 1. Also called: VENTRICULAR TACHYCARDIA, CATECHOLAMINERGIC POLYMORPHIC, 1, WITH OR WITHOUT ATRIAL DYSFUNCTION AND/OR DILATED CARDIOMYOPATHY; VENTRICULAR TACHYCARDIA, STRESS-INDUCED POLYMORPHIC 1; RYR2-Related Catecholaminergic Polymorphic Ventricular Tachycardia. Identifiers: Orphanet 3286, MedGen C1631597, MONDO:0011484, OMIM 604772.

Submission:

Labcorp Genetics (formerly Invitae), Labcorp
Classification: Uncertain significance for Catecholaminergic polymorphic ventricular tachycardia 1. Last evaluated: 2022-04-18. Review status: criteria provided, single submitter. Criteria: Invitae Variant Classification Sherloc (09022015). Collection method: clinical testing. Allele origin: germline.
Comment: This variant is not present in population databases (gnomAD no frequency). This sequence change creates a premature translational stop signal (p.Gln3116*) in the RYR2 gene. It is expected to result in an absent or disrupted protein product. However, the current clinical and genetic evidence is not sufficient to establish whether loss-of-function variants in RYR2 cause disease. In summary, the available evidence is currently insufficient to determine the role of this variant in disease. Therefore, it has been classified as a Variant of Uncertain Significance. This variant has not been reported in the literature in individuals affected with RYR2-related conditions.

NM_001035.3(RYR2):c.9346C>T (p.Gln3116Ter)

Gene: RYR2 (ryanodine receptor 2; plus strand). Cytogenetic location: 1q43.
Variant type: single nucleotide variant.
Coding change: c.9346C>T on transcript NM_001035.3 (MANE Select); coding-DNA position 9346, C replaced by T.
Protein change: p.Gln3116Ter; replaces glutamine 3116 with a stop codon.
Molecular consequence: nonsense.
Genome position (GRCh38, 1-based): chr1:237,700,446, C>T. VCF-style: chr1-237700446-C-T. GRCh37 (hg19) VCF-style: chr1-237863746-C-T.
Other names: short protein forms Q3116*.
Identifiers: ClinVar variation 2127543 (VCV002127543.4), dbSNP rs2547365972, ClinGen allele CA345406222.